The following is an entry in ClinVar:

ClinVar aggregate classification (germline): Uncertain significance (1 of 4 stars; one submission).

Conditions:
Warburg micro syndrome 2 (WARBM2). Also called: MICRO SYNDROME 2. Identifiers: Orphanet 2510, MedGen C3280214, MONDO:0013641, OMIM 614225.
Martsolf syndrome (MARTS). Also called: Congenital cataract with intellectual disability and hypogonadotropic hypogonadism syndrome. Identifiers: Orphanet 1387, MedGen C0796037, MONDO:0023910.

Submission:

Labcorp Genetics (formerly Invitae), Labcorp
Classification: Uncertain significance for Martsolf syndrome; Warburg micro syndrome 2. Last evaluated: 2022-08-19. Review status: criteria provided, single submitter. Criteria: Invitae Variant Classification Sherloc (09022015). Collection method: clinical testing. Allele origin: germline.
Comment: This sequence change replaces glycine, which is neutral and non-polar, with valine, which is neutral and non-polar, at codon 257 of the RAB3GAP2 protein (p.Gly257Val). This variant is not present in population databases (gnomAD no frequency). This variant has not been reported in the literature in individuals affected with RAB3GAP2-related conditions. Algorithms developed to predict the effect of missense changes on protein structure and function are either unavailable or do not agree on the potential impact of this missense change (SIFT: "Tolerated"; PolyPhen-2: "Possibly Damaging"; Align-GVGD: "Class C0"). In summary, the available evidence is currently insufficient to determine the role of this variant in disease. Therefore, it has been classified as a Variant of Uncertain Significance.

NM_012414.4(RAB3GAP2):c.770G>T (p.Gly257Val)

Gene: RAB3GAP2 (RAB3 GTPase activating non-catalytic protein subunit 2; minus strand). Cytogenetic location: 1q41.
Variant type: single nucleotide variant.
Coding change: c.770G>T on transcript NM_012414.4 (MANE Select); coding-DNA position 770, G replaced by T.
Protein change: p.Gly257Val; replaces glycine 257 with valine.
Molecular consequence: missense variant.
Genome position (GRCh38, 1-based): chr1:220,202,317, C>A on the plus strand (G>T on the coding strand, the complement: RAB3GAP2 is on the minus strand). VCF-style: chr1-220202317-C-A. GRCh37 (hg19) VCF-style: chr1-220375659-C-A.
Other names: short protein forms G257V.
Identifiers: ClinVar variation 2081230 (VCV002081230.1), dbSNP rs1345808966, ClinGen allele CA344729839.